The following is an entry in ClinVar:

ClinVar aggregate classification (germline): Uncertain significance (1 of 4 stars; one submission).

Conditions:
Bloom syndrome (BLM). Also called: Bloom-Torre-Machacek syndrome. Identifiers: Orphanet 125, MedGen C0005859, MONDO:0008876, OMIM 210900.

Submission:

Labcorp Genetics (formerly Invitae), Labcorp
Classification: Uncertain significance for Bloom syndrome. Last evaluated: 2024-06-03. Review status: criteria provided, single submitter. Criteria: Invitae Variant Classification Sherloc (09022015). Collection method: clinical testing. Allele origin: germline.
Comment: This sequence change falls in intron 15 of the BLM gene. It does not directly change the encoded amino acid sequence of the BLM protein. It affects a nucleotide within the consensus splice site. This variant is not present in population databases (gnomAD no frequency). This variant has not been reported in the literature in individuals affected with BLM-related conditions. ClinVar contains an entry for this variant (Variation ID: 647372). Variants that disrupt the consensus splice site are a relatively common cause of aberrant splicing (PMID: 17576681, 9536098). Algorithms developed to predict the effect of sequence changes on RNA splicing suggest that this variant may disrupt the consensus splice site. In summary, the available evidence is currently insufficient to determine the role of this variant in disease. Therefore, it has been classified as a Variant of Uncertain Significance.

Literature cited by the submitters: PubMed 17576681; PubMed 9536098.

NM_000057.4(BLM):c.3020-7_3020-5del

Gene: BLM (BLM RecQ like helicase; plus strand). Cytogenetic location: 15q26.1.
Variant type: Deletion.
Coding change: c.3020-7_3020-5del on transcript NM_000057.4 (MANE Select); 7 bases into the intron before coding-DNA position 3020 through 5 bases into the intron before coding-DNA position 3020, 3 bases deleted (CTT; older notation c.3020-7_3020-5delCTT).
Molecular consequence: intron variant.
Genome position (GRCh38, 1-based): chr15:90,794,160-90,794,162, CTT deleted; deleting any 3 consecutive bases within chr15:90,794,159-90,794,162 gives the same sequence; the c. name uses the placement nearest the transcript's 3' end. VCF-style (leftmost placement, unchanged base first): chr15-90794158-CTCT-C. GRCh37 (hg19) VCF-style: chr15-91337388-CTCT-C.
Other names: c.3020-7_3020-5del (NM_001287246.2, NM_001287247.2); c.1895-7_1895-5del (NM_001287248.2).
Identifiers: ClinVar variation 647372 (VCV000647372.9), dbSNP rs1596259785, ClinGen allele CA915946135.